The following is an entry in ClinVar:

NM_001330588.2(TPP2):c.1979G>A (p.Arg660Gln)

Gene: TPP2 (tripeptidyl peptidase 2; plus strand). Cytogenetic location: 13q33.1.
Variant type: single nucleotide variant.
Coding change: c.1979G>A on transcript NM_001330588.2 (MANE Select); coding-DNA position 1979, G replaced by A.
Protein change: p.Arg660Gln; replaces arginine 660 with glutamine.
Molecular consequence: missense variant. On other transcripts: non-coding transcript variant (1).
Genome position (GRCh38, 1-based): chr13:102,640,335, G>A. VCF-style: chr13-102640335-G-A. GRCh37 (hg19) VCF-style: chr13-103292685-G-A.
Other names: c.1979G>A, p.Arg660Gln (NM_001367947.1, NM_003291.4); short protein forms R660Q.
Identifiers: ClinVar variation 1004260 (VCV001004260.6), dbSNP rs7331070, ClinGen allele CA255161890.

ClinVar aggregate classification (germline): Uncertain significance (1 of 4 stars; one submission).

Conditions:
Evans syndrome, immunodeficiency, and premature immunosenescence associated with tripeptidyl-peptidase II deficiency. Identifiers: MedGen CN231723. Disease mechanism: loss of function.

Allele frequency attached by ClinVar (database versions not stated): gnomAD 0.00001; gnomAD exomes 0.00001; TOPMed 0.00001.
gnomAD v4.1: 21 of 1,613,402 alleles (0.0013%); highest among the groups gnomAD compares: Admixed American, 0.0017%; no homozygotes.

Submission:

Labcorp Genetics (formerly Invitae), Labcorp
Classification: Uncertain significance for Evans syndrome, immunodeficiency, and premature immunosenescence associated with tripeptidyl-peptidase II deficiency. Last evaluated: 2022-05-27. Review status: criteria provided, single submitter. Criteria: Invitae Variant Classification Sherloc (09022015). Collection method: clinical testing. Allele origin: germline.
Comment: This variant is not present in population databases (gnomAD no frequency). This sequence change replaces arginine, which is basic and polar, with glutamine, which is neutral and polar, at codon 660 of the TPP2 protein (p.Arg660Gln). This variant has not been reported in the literature in individuals affected with TPP2-related conditions. In summary, the available evidence is currently insufficient to determine the role of this variant in disease. Therefore, it has been classified as a Variant of Uncertain Significance. Algorithms developed to predict the effect of sequence changes on RNA splicing suggest that this variant may disrupt the consensus splice site. Algorithms developed to predict the effect of missense changes on protein structure and function (SIFT, PolyPhen-2, Align-GVGD) all suggest that this variant is likely to be tolerated. ClinVar contains an entry for this variant (Variation ID: 1004260).